The following is an entry in ClinVar:

NM_000535.7(PMS2):c.2449A>C (p.Met817Leu)

Gene: PMS2 (PMS1 homolog 2, mismatch repair system component; minus strand). Cytogenetic location: 7p22.1.
Variant type: single nucleotide variant.
Coding change: c.2449A>C on transcript NM_000535.7 (MANE Select); coding-DNA position 2449, A replaced by C.
Protein change: p.Met817Leu; replaces methionine 817 with leucine.
Molecular consequence: missense variant. On other transcripts: non-coding transcript variant (1).
Genome position (GRCh38, 1-based): chr7:5,973,539, T>G on the plus strand (A>C on the coding strand, the complement: PMS2 is on the minus strand). VCF-style: chr7-5973539-T-G. GRCh37 (hg19) VCF-style: chr7-6013170-T-G.
Other names: c.2044A>C, p.Met682Leu (NM_001322003.2, NM_001322004.2, NM_001322005.2 and 11 more transcripts); c.2293A>C, p.Met765Leu (NM_001322006.2); c.2131A>C, p.Met711Leu (NM_001322007.2, NM_001322008.2, NM_001406883.1); c.2077A>C, p.Met693Leu (NM_001322009.2, NM_001406887.1, NM_001406888.1); c.1888A>C, p.Met630Leu (NM_001322010.2, NM_001406906.1, NM_001406907.1); c.1516A>C, p.Met506Leu (NM_001322011.2, NM_001322012.2); c.1876A>C, p.Met626Leu (NM_001322013.2, NM_001406908.1, NM_001406909.1); c.2482A>C, p.Met828Leu (NM_001322014.2); and 20 more; short protein forms M751L, M761L, M765L, M769L, M776L, M781L, M817L, M825L.
Identifiers: ClinVar variation 3894056 (VCV003894056.1).

ClinVar aggregate classification (germline): Uncertain significance (1 of 4 stars; one submission).

Conditions:
Hereditary cancer-predisposing syndrome. Also called: Neoplastic Syndromes, Hereditary; Tumor predisposition; Hereditary Cancer Syndrome; Hereditary neoplastic syndrome. Identifiers: Orphanet 140162, MedGen C0027672, MeSH D009386, MONDO:0015356.

Submission:

Color Diagnostics, LLC DBA Color Health
Classification: Uncertain significance for Hereditary cancer-predisposing syndrome. Last evaluated: 2024-09-03. Review status: criteria provided, single submitter. Criteria: ACMG Guidelines, 2015. Collection method: clinical testing. Allele origin: germline.
Comment: This missense variant replaces methionine with leucine at codon 817 of the PMS2 protein. Computational prediction suggests that this variant may have deleterious impact on protein structure and function (internally defined REVEL score threshold >= 0.7, PMID: 27666373). To our knowledge, functional studies have not been reported for this variant. This variant has not been reported in individuals affected with PMS2-related disorders in the literature. This variant has not been identified in the general population by the Genome Aggregation Database (gnomAD). The available evidence is insufficient to determine the role of this variant in disease conclusively. Therefore, this variant is classified as a Variant of Uncertain Significance.